The following is an entry in ClinVar:

NM_002691.4(POLD1):c.971-15C>T

Gene: POLD1 (DNA polymerase delta 1, catalytic subunit; plus strand). Cytogenetic location: 19q13.33.
Variant type: single nucleotide variant.
Coding change: c.971-15C>T on transcript NM_002691.4 (MANE Select); 15 bases into the intron before coding-DNA position 971, C replaced by T.
Molecular consequence: intron variant.
Genome position (GRCh38, 1-based): chr19:50,403,038, C>T. VCF-style: chr19-50403038-C-T. GRCh37 (hg19) VCF-style: chr19-50906295-C-T.
Other names: c.971-15C>T (NM_001256849.1, NM_001308632.1).
Identifiers: ClinVar variation 3904183 (VCV003904183.1).

ClinVar aggregate classification (germline): Likely benign (1 of 4 stars; one submission).

Conditions:
POLD1-related polyposis and colorectal cancer syndrome (CRCS10). Also called: Colorectal cancer 10; COLORECTAL CANCER, SUSCEPTIBILITY TO, ON CHROMOSOME 19q; Colorectal cancer, susceptibility to, 10. Identifiers: Orphanet 220460, MedGen C2675481, MONDO:0012953, OMIM 612591.

Submission:

Myriad Genetics, Inc.
Classification: Likely benign for POLD1-related polyposis and colorectal cancer syndrome. Last evaluated: 2025-02-05. Review status: criteria provided, single submitter. Criteria: Myriad Autosomal Dominant, Autosomal Recessive and X-Linked Classification Criteria (2023). Collection method: clinical testing. Allele origin: unknown.
Comment: This variant is considered likely benign. This variant is intronic and is not expected to impact mRNA splicing.